The following is an entry in ClinVar:

NM_002691.4(POLD1):c.1384-3T>C

Gene: POLD1 (DNA polymerase delta 1, catalytic subunit; plus strand). Cytogenetic location: 19q13.33.
Variant type: single nucleotide variant.
Coding change: c.1384-3T>C on transcript NM_002691.4 (MANE Select); 3 bases into the intron before coding-DNA position 1384, T replaced by C.
Molecular consequence: intron variant.
Genome position (GRCh38, 1-based): chr19:50,406,404, T>C. VCF-style: chr19-50406404-T-C. GRCh37 (hg19) VCF-style: chr19-50909661-T-C.
Other names: c.1384-3T>C (NM_001256849.1, NM_001308632.1).
Identifiers: ClinVar variation 1942818 (VCV001942818.6), dbSNP rs2038884150, ClinGen allele CA2580097623.

ClinVar aggregate classification (germline): Conflicting classifications of pathogenicity. Review status: criteria provided, conflicting classifications (1 of 4 stars). 2 submissions from 2 submitters: Uncertain significance (1); Likely benign (1). Last evaluated 2025-02-06.

Conditions:
POLD1-related polyposis and colorectal cancer syndrome (CRCS10). Also called: Colorectal cancer 10; COLORECTAL CANCER, SUSCEPTIBILITY TO, ON CHROMOSOME 19q; Colorectal cancer, susceptibility to, 10. Identifiers: Orphanet 220460, MedGen C2675481, MONDO:0012953, OMIM 612591.

Allele frequency attached by ClinVar (database versions not stated): gnomAD exomes below 0.00001.
gnomAD v4.1: 3 of 1,565,852 alleles (0.00019%); highest among the groups gnomAD compares: South Asian, 0.0022%; no homozygotes.

Submissions (2):

Myriad Genetics, Inc.
Classification: Likely benign for POLD1-related polyposis and colorectal cancer syndrome. Last evaluated: 2025-02-06. Review status: criteria provided, single submitter. Criteria: Myriad Autosomal Dominant, Autosomal Recessive and X-Linked Classification Criteria (2023). Collection method: clinical testing. Allele origin: unknown.
Comment: This variant is considered likely benign. This variant is intronic and is not expected to impact mRNA splicing.

Labcorp Genetics (formerly Invitae), Labcorp
Classification: Uncertain significance for POLD1-related polyposis and colorectal cancer syndrome. Last evaluated: 2024-11-15. Review status: criteria provided, single submitter. Criteria: Invitae Variant Classification Sherloc (09022015). Collection method: clinical testing. Allele origin: germline.
Comment: This sequence change falls in intron 11 of the POLD1 gene. It does not directly change the encoded amino acid sequence of the POLD1 protein. It affects a nucleotide within the consensus splice site. This variant is not present in population databases (gnomAD no frequency). This variant has not been reported in the literature in individuals affected with POLD1-related conditions. ClinVar contains an entry for this variant (Variation ID: 1942818). Variants that disrupt the consensus splice site are a relatively common cause of aberrant splicing (PMID: 17576681, 9536098). Algorithms developed to predict the effect of sequence changes on RNA splicing suggest that this variant is not likely to affect RNA splicing. In summary, the available evidence is currently insufficient to determine the role of this variant in disease. Therefore, it has been classified as a Variant of Uncertain Significance.

Literature cited by the submitters: PubMed 17576681 (cited by Labcorp Genetics (formerly Invitae), Labcorp); PubMed 9536098 (cited by Labcorp Genetics (formerly Invitae), Labcorp).